The following is an entry in ClinVar:

NM_016239.4(MYO15A):c.7012C>T (p.Gln2338Ter)

Gene: MYO15A (myosin XVA; plus strand). Cytogenetic location: 17p11.2.
Variant type: single nucleotide variant.
Coding change: c.7012C>T on transcript NM_016239.4 (MANE Select); coding-DNA position 7012, C replaced by T.
Protein change: p.Gln2338Ter; replaces glutamine 2338 with a stop codon.
Molecular consequence: nonsense.
Genome position (GRCh38, 1-based): chr17:18,149,271, C>T. VCF-style: chr17-18149271-C-T. GRCh37 (hg19) VCF-style: chr17-18052585-C-T.
Other names: short protein forms Q2338*.
Identifiers: ClinVar variation 620326 (VCV000620326.3), dbSNP rs1567650971, ClinGen allele CA398614049.

ClinVar aggregate classification (germline): Pathogenic (1 of 4 stars; one submission).

Submission:

GeneDx
Classification: Pathogenic. Last evaluated: 2021-01-26. Review status: criteria provided, single submitter. Criteria: GeneDx Variant Classification Process June 2021. Collection method: clinical testing. Allele origin: germline. Affected: yes.
Comment: Nonsense variant predicted to result in protein truncation or nonsense mediated decay in a gene for which loss-of-function is a known mechanism of disease; Not observed in large population cohorts (Lek et al., 2016); Has not been previously published as pathogenic or benign to our knowledge